The following is an entry in ClinVar:

ClinVar aggregate classification (germline): Uncertain significance. Review status: criteria provided, multiple submitters, no conflicts (2 of 4 stars). 5 submissions from 3 submitters: Uncertain significance (5). Last evaluated 2025-05-16.

Conditions:
Inborn genetic diseases. Identifiers: MedGen C0950123, MeSH D030342.
Tooth agenesis, selective, 4 (STHAG4). Also called: SUCCEDANEOUS TEETH, AGENESIS OF; LATERAL INCISORS, ABSENCE OF; LATERAL INCISORS, PEGGED OR MISSING; TOOTH AGENESIS, SELECTIVE, 4, WITH OR WITHOUT ECTODERMAL DYSPLASIA. Identifiers: Orphanet 99798, MedGen C1835492, MONDO:0007881, OMIM 150400. Disease mechanism: loss of function.
Odonto-onycho-dermal dysplasia. Identifiers: Orphanet 2721, MedGen C0796093, MONDO:0009773, OMIM 257980.
Schöpf-Schulz-Passarge syndrome. Also called: ECCRINE TUMORS WITH ECTODERMAL DYSPLASIA; KERATOSIS PALMOPLANTARIS WITH CYSTIC EYELIDS, HYPODONTIA, AND HYPOTRICHOSIS; SchC6pf-Schulz-Passarge syndrome. Identifiers: Orphanet 50944, MedGen C1857069, MONDO:0009145, OMIM 224750.

Allele frequency attached by ClinVar (database versions not stated): TOPMed below 0.00001; ExAC 0.00002; gnomAD exomes 0.00003 and 0.00004.
gnomAD v4.1: 37 of 1,614,040 alleles (0.0023%); highest among the groups gnomAD compares: Non-Finnish European, 0.0031%; no homozygotes.

Submissions (5):

Ambry Genetics
Classification: Uncertain significance for Inborn genetic diseases. Last evaluated: 2025-05-16. Review status: criteria provided, single submitter. Criteria: Ambry Variant Classification Scheme 2023. Collection method: clinical testing. Allele origin: germline.

Victorian Clinical Genetics Services, Murdoch Childrens Research Institute
Classification: Uncertain significance for Tooth agenesis, selective, 4. Last evaluated: 2020-10-19. Review status: criteria provided, single submitter. Criteria: ACMG Guidelines, 2015. Collection method: clinical testing. Allele origin: germline.
Comment: Based on the classification scheme VCGS_Germline_v1.3.3, this variant is classified as 3A-VUS. Following criteria are met: 0102 - Loss of function is a known mechanism of disease in this gene and is associated with odontoonychodermal dysplasia (MIM#257980), Schopf-Schulz-Passarge syndrome (MIM#224750) and tooth agenesis, selective, 4 (MIM#150400). (I) 0108 - This gene is associated with both recessive and dominant disease. However, the genotype-phenotype correlation is currently unclear. Milder phenotypes are associated with dominant inheritance (OMIM, PMID: 19559398, PMID: 30426266). (I) 0112 - The condition associated with this gene has incomplete penetrance in compound heterozygotes and heterozygote carriers of missense variants (OMIM; PMID: 19559398, PMID: 30426266). (I) 0200 - Variant is predicted to result in a missense amino acid change from serine to cystine (I) 0251 - This variant is heterozygous. (I) 0304 - Variant is present in gnomAD <0.01 for a recessive condition (v2: 10 heterozygotes, 0 homozygotes). (SP) 0501 - Missense variant consistently predicted to be damaging by multiple in silico tools or highly conserved with a major amino acid change. (SP) 0600 - Variant is located in the annotated WNT domain (DECIPHER, PDB) (I) 0705 - No comparable missense variants have previous evidence for pathogenicity. (I) 0807 - This variant has no previous evidence of pathogenicity. (I) 0905 - No published segregation evidence has been identified for this variant. (I) 1007 - No published functional evidence has been identified for this variant. (I) 1102 - Strong phenotype match for this individual. (SP) 1208 - Inheritance information for this variant is not currently available in this individual. (I) Legend: (SP) - Supporting pathogenic, (I) - Information, (SB) - Supporting benign

Illumina Laboratory Services, Illumina
Classification: Uncertain significance for Schöpf-Schulz-Passarge syndrome. Last evaluated: 2018-01-12. Review status: criteria provided, single submitter. Criteria: ICSL Variant Classification Criteria 13 December 2019. Collection method: clinical testing. Allele origin: germline.

Illumina Laboratory Services, Illumina
Classification: Uncertain significance for Odonto-onycho-dermal dysplasia. Last evaluated: 2018-01-12. Review status: criteria provided, single submitter. Criteria: ICSL Variant Classification Criteria 13 December 2019. Collection method: clinical testing. Allele origin: germline.

Illumina Laboratory Services, Illumina
Classification: Uncertain significance for Tooth agenesis, selective, 4. Last evaluated: 2018-01-12. Review status: criteria provided, single submitter. Criteria: ICSL Variant Classification Criteria 13 December 2019. Collection method: clinical testing. Allele origin: germline.

Literature cited by the submitters: PubMed 19559398 (cited by Victorian Clinical Genetics Services, Murdoch Childrens Research Institute); PubMed 30426266 (cited by Victorian Clinical Genetics Services, Murdoch Childrens Research Institute).

NM_025216.3(WNT10A):c.437C>G (p.Ser146Cys)

Gene: WNT10A (Wnt family member 10A; plus strand). Cytogenetic location: 2q35.
Variant type: single nucleotide variant.
Coding change: c.437C>G on transcript NM_025216.3 (MANE Select); coding-DNA position 437, C replaced by G.
Protein change: p.Ser146Cys; replaces serine 146 with cysteine.
Molecular consequence: missense variant.
Genome position (GRCh38, 1-based): chr2:218,890,044, C>G. VCF-style: chr2-218890044-C-G. GRCh37 (hg19) VCF-style: chr2-219754766-C-G.
Other names: short protein forms S146C.
Identifiers: ClinVar variation 334398 (VCV000334398.7), dbSNP rs759718991, ClinGen allele CA2113931.
Genomic context (GRCh38, chr2:218,890,044, plus strand): 5'-GTTTCCGAGAGAGCGCTTTTGCCTACGCCATCGCAGCAGCTGGCGTGGTGCACGCCGTGT[C>G]CAATGCGTGTGCCCTGGGCAAACTGAAGGCCTGTGGCTGTGATGCGTCCCGGCGAGGGGA-3'
Protein context (NP_079492.2, residues 136-156): IAAAGVVHAV[Ser146Cys]NACALGKLKA